The following is an entry in ClinVar:

NM_006361.6(HOXB13):c.124C>A (p.Leu42Met)

Gene: HOXB13 (homeobox B13; minus strand). Cytogenetic location: 17q21.32.
Variant type: single nucleotide variant.
Coding change: c.124C>A on transcript NM_006361.6 (MANE Select); coding-DNA position 124, C replaced by A.
Protein change: p.Leu42Met; replaces leucine 42 with methionine.
Molecular consequence: missense variant.
Genome position (GRCh38, 1-based): chr17:48,728,470, G>T on the plus strand (C>A on the coding strand, the complement: HOXB13 is on the minus strand). VCF-style: chr17-48728470-G-T. GRCh37 (hg19) VCF-style: chr17-46805832-G-T.
Other names: short protein forms L42M.
Identifiers: ClinVar variation 690539 (VCV000690539.4), dbSNP rs1597935049, ClinGen allele CA400109221.

ClinVar aggregate classification (germline): Uncertain significance. Review status: criteria provided, single submitter (1 of 4 stars). 2 submissions from 2 submitters: Uncertain significance (1). 1 of the submissions does not count toward it. Last evaluated 2023-03-05.

Conditions:
Hereditary cancer-predisposing syndrome. Also called: Neoplastic Syndromes, Hereditary; Tumor predisposition; Hereditary neoplastic syndrome; Hereditary Cancer Syndrome. Identifiers: Orphanet 140162, MedGen C0027672, MeSH D009386, MONDO:0015356.
Prostate cancer, hereditary, 1 (HPC1). Identifiers: Orphanet 1331, MedGen C4722327, MONDO:0011098, OMIM 601518.

Submissions (2):

Ambry Genetics
Classification: Uncertain significance for Hereditary cancer-predisposing syndrome. Last evaluated: 2023-03-05. Review status: criteria provided, single submitter. Criteria: Ambry Variant Classification Scheme 2023. Collection method: clinical testing. Allele origin: germline.
Comment: The p.L42M variant (also known as c.124C>A), located in coding exon 1 of the HOXB13 gene, results from a C to A substitution at nucleotide position 124. The leucine at codon 42 is replaced by methionine, an amino acid with highly similar properties. This amino acid position is conserved. In addition, the in silico prediction for this alteration is inconclusive. Since supporting evidence is limited at this time, the clinical significance of this alteration remains unclear.

Laboratory of Virology, Microbiology,  Quality and Medical Biotechnologies, Faculty of Sciences and Techniques - Mohammedia, Hassan II University of Casablanca
Classification: Uncertain significance for Prostate cancer, hereditary, 1. Review status: no assertion criteria provided. Collection method: clinical testing. Allele origin: somatic. Affected: yes. Not counted in ClinVar's aggregate classification.